The following is an entry in ClinVar:

ClinVar aggregate classification (germline): Pathogenic (1 of 4 stars; one submission).

Conditions:
Autosomal recessive limb-girdle muscular dystrophy type 2C (LGMDR5). Also called: MUSCULAR DYSTROPHY, DUCHENNE-LIKE; MUSCULAR DYSTROPHY, LIMB-GIRDLE, AUTOSOMAL RECESSIVE 5. Identifiers: Orphanet 353, MedGen C0410173, MONDO:0009677, OMIM 253700. Disease mechanism: Affects gamma-sarcoglycan and also disrupts the integrity of the entire sarcoglycan complex..

Submission:

Labcorp Genetics (formerly Invitae), Labcorp
Classification: Pathogenic for Autosomal recessive limb-girdle muscular dystrophy type 2C. Last evaluated: 2023-08-25. Review status: criteria provided, single submitter. Criteria: Invitae Variant Classification Sherloc (09022015). Collection method: clinical testing. Allele origin: unknown.
Comment: This variant is a gross deletion of the genomic region encompassing exon(s) 8 of the SGCG gene, which includes the termination codon. This deletion extends beyond the assayed region for this gene and therefore may encompass additional genes. While this deletion is not anticipated to lead to nonsense mediated decay, it is expected to alter mRNA translation or result in a truncated protein product. A similar copy number variant has been observed in individual(s) with SGCG-related conditions (PMID: 18285821). This variant disrupts a region of the SGCG protein in which other variant(s) (p.Thr251Serfs*29) have been determined to be pathogenic (Invitae). This suggests that this is a clinically significant region of the protein, and that variants that disrupt it are likely to be disease-causing. For these reasons, this variant has been classified as Pathogenic.

Literature cited by the submitters: PubMed 18285821.

NC_000013.10:g.(?_23898487)_(23898680_?)del

Gene: SGCG (sarcoglycan gamma; plus strand). Cytogenetic location: 13q12.12.
Variant type: Deletion.
Identifiers: ClinVar variation 3244158 (VCV003244158.1).